The following is an entry in ClinVar:

NM_001903.5(CTNNA1):c.1868G>C (p.Arg623Pro)

Gene: CTNNA1 (catenin alpha 1; plus strand). Cytogenetic location: 5q31.2.
Variant type: single nucleotide variant.
Coding change: c.1868G>C on transcript NM_001903.5 (MANE Select); coding-DNA position 1868, G replaced by C.
Protein change: p.Arg623Pro; replaces arginine 623 with proline.
Molecular consequence: missense variant.
Genome position (GRCh38, 1-based): chr5:138,925,376, G>C. VCF-style: chr5-138925376-G-C. GRCh37 (hg19) VCF-style: chr5-138261065-G-C.
Other names: c.758G>C, p.Arg253Pro (NM_001323995.1, NM_001323996.1, NM_001324002.1 and 17 more transcripts); c.1868G>C, p.Arg623Pro (NM_001290307.3, NM_001323982.2, NM_001323983.1 and 2 more transcripts); c.1559G>C, p.Arg520Pro (NM_001290309.3); c.1499G>C, p.Arg500Pro (NM_001290310.3); c.1775G>C, p.Arg592Pro (NM_001323986.2); c.419G>C, p.Arg140Pro (NM_001324006.1, NM_001324007.1, NM_001324008.1 and 2 more transcripts); c.665G>C, p.Arg222Pro (NM_001324011.1); c.515G>C, p.Arg172Pro (NM_001324012.1, NM_001324013.1); short protein forms R222P, R500P, R253P, R520P, R592P, R623P, R140P, R172P.
Identifiers: ClinVar variation 2563294 (VCV002563294.2), dbSNP rs749328559, ClinGen allele CA361132382.

ClinVar aggregate classification (germline): Uncertain significance (1 of 4 stars; one submission).

Conditions:
Hereditary cancer-predisposing syndrome. Also called: Neoplastic Syndromes, Hereditary; Hereditary Cancer Syndrome; Hereditary neoplastic syndrome; Tumor predisposition. Identifiers: Orphanet 140162, MedGen C0027672, MeSH D009386, MONDO:0015356.

Submission:

Ambry Genetics
Classification: Uncertain significance for Hereditary cancer-predisposing syndrome. Last evaluated: 2023-06-10. Review status: criteria provided, single submitter. Criteria: Ambry Variant Classification Scheme 2023. Collection method: clinical testing. Allele origin: germline.
Comment: The p.R623P variant (also known as c.1868G>C), located in coding exon 12 of the CTNNA1 gene, results from a G to C substitution at nucleotide position 1868. The arginine at codon 623 is replaced by proline, an amino acid with dissimilar properties. This amino acid position is conserved. In addition, this alteration is predicted to be deleterious by in silico analysis. Since supporting evidence is limited at this time, the clinical significance of this alteration remains unclear.